The following is an entry in ClinVar:

ClinVar aggregate classification (germline): Benign. Review status: criteria provided, multiple submitters, no conflicts (2 of 4 stars). 3 submissions from 3 submitters: Benign (3). Last evaluated 2026-02-04.

Conditions:
Ehlers-Danlos syndrome, classic type, 1 (EDSCL1). Also called: Ehlers-Danlos syndrome, type 1; Ehlers-Danlos Syndrome, Classic Type, COL5A1-Related; EDS I; EHLERS-DANLOS SYNDROME, GRAVIS TYPE; EHLERS-DANLOS SYNDROME, SEVERE CLASSIC TYPE. Identifiers: MedGen C0268335, MONDO:0019567, OMIM 130000.

Allele frequency attached by ClinVar (database versions not stated): ESP Exome Variant Server 0.06005; gnomAD exomes 0.03552 and 0.06954; ExAC 0.06780; gnomAD 0.06919 and 0.06734; TOPMed 0.08211; 1000 Genomes Project 0.11142; 1000 Genomes Project 30x 0.11571.

Submissions (3):

Labcorp Genetics (formerly Invitae), Labcorp
Classification: Benign for Ehlers-Danlos syndrome, classic type, 1. Last evaluated: 2026-02-04. Review status: criteria provided, single submitter. Criteria: Invitae Variant Classification Sherloc (09022015). Collection method: clinical testing. Allele origin: germline.

Women's Health and Genetics/Laboratory Corporation of America, LabCorp
Classification: Benign. Last evaluated: 2017-03-21. Review status: criteria provided, single submitter. Criteria: LabCorp Variant Classification Summary - May 2015. Collection method: clinical testing. Allele origin: germline.
Comment: Variant summary: The COL5A2 c.315A>C (p.Thr105Thr) variant involves the alteration of a non-conserved nucleotide, resulting in a synonymous change. One in silico tool predicts a benign outcome for this variant. 5/5 splice prediction tools predict no significant impact on normal splicing and ESE finder predicts that this variant does not significantly impact ESE sites at the locus. However, these predictions have yet to be confirmed by functional studies. This variant was found in the large control database ExAC at a frequency of 0.9322042 (113164/121394 control chromosomes [53063 homozygotes]), making it the major allele at this genomic location. At the frequency, the variant is approximately 745763 times the estimated maximal expected allele frequency of a pathogenic COL5A2 variant (0.0000013), suggesting it is likely a benign polymorphism. In addition, multiple clinical diagnostic laboratories/reputable databases classified this variant as benign. To our knowledge, the variant of interest has not been reported in affected individuals via publications, nor has it been evaluated for functional impact by in vivo/vitro studies. Taken together, this variant is classified as benign.

GeneDx
Classification: Benign. Last evaluated: 2012-11-29. Review status: criteria provided, single submitter. Criteria: GeneDx Variant Classification (06012015). Collection method: clinical testing. Allele origin: germline. Affected: yes.
Comment: This variant is considered likely benign or benign based on one or more of the following criteria: it is a conservative change, it occurs at a poorly conserved position in the protein, it is predicted to be benign by multiple in silico algorithms, and/or has population frequency not consistent with disease.

NM_000393.5(COL5A2):c.315= (p.Thr105=)

Gene: COL5A2 (collagen type V alpha 2 chain; minus strand). Cytogenetic location: 2q32.2.
Variant type: single nucleotide variant.
Coding change: c.315= on transcript NM_000393.5 (MANE Select); coding-DNA position 315, no change from the reference sequence.
Protein change: p.Thr105=; no amino-acid change (threonine 105 retained).
Molecular consequence: no sequence alteration.
Genome position: GRCh38 VCF-style: chr2-189110232-G-G. GRCh37 (hg19) VCF-style: chr2-189974958-G-G.
Other names: p.T105T:ACA>ACC.
Identifiers: ClinVar variation 136964 (VCV000136964.16), dbSNP rs4128539.